The following is an entry in ClinVar:

ClinVar aggregate classification (germline): Conflicting classifications of pathogenicity. Review status: criteria provided, conflicting classifications (1 of 4 stars). 2 submissions from 2 submitters: Uncertain significance (1); Likely benign (1). Last evaluated 2026-04-29.

Conditions:
GLIS3-related disorder. Also called: GLIS3-related condition.
Neonatal diabetes mellitus with congenital hypothyroidism. Also called: NDH SYNDROME. Identifiers: Orphanet 79118, MedGen C1857775, MONDO:0012436, OMIM 610199.

gnomAD v4.1: 14 of 1,585,160 alleles (0.00088%); highest among the groups gnomAD compares: African/African-American, 0.004%; no homozygotes.

Submissions (2):

PreventionGenetics, part of Exact Sciences
Classification: Likely benign for GLIS3-related condition. Last evaluated: 2026-04-29. Review status: criteria provided, single submitter. Criteria: ACMG Guidelines, 2015. Collection method: clinical testing. Allele origin: germline.
Comment: This variant is classified as likely benign based on ACMG/AMP sequence variant interpretation guidelines (Richards et al. 2015 PMID: 25741868, with internal and published modifications).

Fulgent Genetics
Classification: Uncertain significance for Neonatal diabetes mellitus with congenital hypothyroidism. Last evaluated: 2024-04-16. Review status: criteria provided, single submitter. Criteria: ACMG Guidelines, 2015. Collection method: clinical testing. Allele origin: germline.

NM_001042413.2(GLIS3):c.1203C>T (p.Gly401=)

Gene: GLIS3 (GLIS family zinc finger 3; minus strand). Cytogenetic location: 9p24.2.
Variant type: single nucleotide variant.
Coding change: c.1203C>T on transcript NM_001042413.2 (MANE Select); coding-DNA position 1203, C replaced by T.
Protein change: p.Gly401=; no amino-acid change (glycine 401 retained).
Molecular consequence: synonymous variant.
Genome position (GRCh38, 1-based): chr9:4,118,275, G>A on the plus strand (C>T on the coding strand, the complement: GLIS3 is on the minus strand). VCF-style: chr9-4118275-G-A. GRCh37 (hg19) VCF-style: chr9-4118275-G-A.
Other names: c.738C>T, p.Gly246= (NM_152629.4); c.1203C>T (NM_001042413.1).
Identifiers: ClinVar variation 3597415 (VCV003597415.2).
Genomic context (GRCh38, chr9:4,118,275, plus strand): 5'-GTCGGGGCCCGGCAGGCCATGCTGCACCACCATGTGGTTGACCAGGCCTGGCTGCAGGCC[G>A]CCGTGCTCCAGCTGTTGCATGCGCTCGTGCTCCAGGGCCCCGTCCTCGCCGTAGGCCGGC-3'
Protein context (NP_001035878.1, residues 391-411): EHERMQQLEH[Gly401=]GLQPGLVNHM